The following is an entry in ClinVar:

NM_000535.7(PMS2):c.747C>T (p.Asp249=)

Gene: PMS2 (PMS1 homolog 2, mismatch repair system component; minus strand). Cytogenetic location: 7p22.1.
Variant type: single nucleotide variant.
Coding change: c.747C>T on transcript NM_000535.7 (MANE Select); coding-DNA position 747, C replaced by T.
Protein change: p.Asp249=; no amino-acid change (aspartic acid 249 retained).
Molecular consequence: synonymous variant. On other transcripts: 5 prime UTR variant (2), non-coding transcript variant (1).
Genome position (GRCh38, 1-based): chr7:5,997,382, G>A on the plus strand (C>T on the coding strand, the complement: PMS2 is on the minus strand). VCF-style: chr7-5997382-G-A. GRCh37 (hg19) VCF-style: chr7-6037013-G-A.
Other names: c.342C>T, p.Asp114= (NM_001322003.2, NM_001322004.2, NM_001322005.2 and 2 more transcripts); c.747C>T, p.Asp249= (NM_001322006.2, NM_001322014.2); c.429C>T, p.Asp143= (NM_001322007.2, NM_001322008.2); c.-187C>T (NM_001322011.2, NM_001322012.2); c.174C>T, p.Asp58= (NM_001322013.2); c.438C>T, p.Asp146= (NM_001322015.2); c.747C>T (NM_000535.5).
Identifiers: ClinVar variation 1674604 (VCV001674604.10), dbSNP rs2128787680, ClinGen allele CA453646164.

ClinVar aggregate classification (germline): Benign/Likely benign. Review status: criteria provided, multiple submitters, no conflicts (2 of 4 stars). 3 submissions from 3 submitters: Benign (1); Likely benign (2). Last evaluated 2026-03-17.

Conditions:
Hereditary nonpolyposis colorectal neoplasms. Identifiers: MedGen C0009405, MeSH D003123.
Hereditary cancer-predisposing syndrome. Also called: Hereditary Cancer Syndrome; Neoplastic Syndromes, Hereditary; Hereditary neoplastic syndrome; Tumor predisposition. Identifiers: Orphanet 140162, MedGen C0027672, MeSH D009386, MONDO:0015356.
Lynch syndrome 4 (LYNCH4). Also called: Hereditary non-polyposis colorectal cancer, type 4; Colorectal cancer, hereditary nonpolyposis, type 4. Identifiers: Orphanet 144, MedGen C1838333, MONDO:0013699, OMIM 614337. Disease mechanism: loss of function.

Allele frequency attached by ClinVar (database versions not stated): gnomAD exomes below 0.00001.
gnomAD v4.1: 1 of 1,603,562 alleles (0.000062%); highest among the groups gnomAD compares: Non-Finnish European, 0.000085%; no homozygotes.

Submissions (3):

Ambry Genetics
Classification: Likely benign for Hereditary cancer-predisposing syndrome. Last evaluated: 2026-03-17. Review status: criteria provided, single submitter. Criteria: Ambry Variant Classification Scheme 2023. Collection method: clinical testing. Allele origin: germline.

Labcorp Genetics (formerly Invitae), Labcorp
Classification: Likely benign for Hereditary nonpolyposis colorectal neoplasms. Last evaluated: 2025-09-16. Review status: criteria provided, single submitter. Criteria: Invitae Variant Classification Sherloc (09022015). Collection method: clinical testing. Allele origin: germline.

Myriad Genetics, Inc.
Classification: Benign for Lynch syndrome 4. Last evaluated: 2025-01-28. Review status: criteria provided, single submitter. Criteria: Myriad Autosomal Dominant, Autosomal Recessive and X-Linked Classification Criteria (2023). Collection method: clinical testing. Allele origin: unknown.
Comment: This variant is considered benign. This variant is a silent/synonymous amino acid change and it is not expected to impact splicing.